The following is an entry in ClinVar:

NM_032043.3(BRIP1):c.988G>A (p.Gly330Arg)

Gene: BRIP1 (BRCA1 interacting DNA helicase 1; minus strand). Cytogenetic location: 17q23.2.
Variant type: single nucleotide variant.
Coding change: c.988G>A on transcript NM_032043.3 (MANE Select); coding-DNA position 988, G replaced by A.
Protein change: p.Gly330Arg; replaces glycine 330 with arginine.
Molecular consequence: missense variant.
Genome position (GRCh38, 1-based): chr17:61,801,405, C>T on the plus strand (G>A on the coding strand, the complement: BRIP1 is on the minus strand). VCF-style: chr17-61801405-C-T. GRCh37 (hg19) VCF-style: chr17-59878766-C-T.
Other names: short protein forms G330R.
Identifiers: ClinVar variation 3228148 (VCV003228148.1), dbSNP rs2145339308, ClinGen allele CA400484170.
Genomic context (GRCh38, chr17:61,801,405, plus strand): 5'-AGGCCTTTAGTTTCTTCCCCAGGCTGACAAGTTCTTCTATATCCCAGGCTTTGCACATCC[C>T]TTGGAAAGTCTGTAATGTGTGCTGATCACTAATTTTATGAACTCCATGATAAAAATAGCA-3'
Protein context (NP_114432.2, residues 320-340): SDQHTLQTFQ[Gly330Arg]MCKAWDIEEL

ClinVar aggregate classification (germline): Uncertain significance (1 of 4 stars; one submission).

Conditions:
Hereditary cancer-predisposing syndrome. Also called: Neoplastic Syndromes, Hereditary; Tumor predisposition; Hereditary neoplastic syndrome; Hereditary Cancer Syndrome. Identifiers: Orphanet 140162, MedGen C0027672, MeSH D009386, MONDO:0015356.

Submission:

Ambry Genetics
Classification: Uncertain significance for Hereditary cancer-predisposing syndrome. Last evaluated: 2023-10-05. Review status: criteria provided, single submitter. Criteria: Ambry Variant Classification Scheme 2023. Collection method: clinical testing. Allele origin: germline.
Comment: The p.G330R variant (also known as c.988G>A), located in coding exon 7 of the BRIP1 gene, results from a G to A substitution at nucleotide position 988. The glycine at codon 330 is replaced by arginine, an amino acid with dissimilar properties. This amino acid position is conserved. In addition, this alteration is predicted to be tolerated by in silico analysis. Since supporting evidence is limited at this time, the clinical significance of this alteration remains unclear.